The following is an entry in ClinVar:

NM_001142800.2(EYS):c.3568+1G>T

Gene: EYS (EGF-like photoreceptor maintenance factor; minus strand). Cytogenetic location: 6q12.
Variant type: single nucleotide variant.
Coding change: c.3568+1G>T on transcript NM_001142800.2 (MANE Select); the canonical splice donor site of the intron after coding-DNA position 3568, G replaced by T.
Molecular consequence: splice donor variant.
Genome position (GRCh38, 1-based): chr6:64,626,120, C>A on the plus strand (G>T on the coding strand, the complement: EYS is on the minus strand). VCF-style: chr6-64626120-C-A. GRCh37 (hg19) VCF-style: chr6-65336013-C-A.
Other names: c.3568+1G>T (NM_001292009.2).
Identifiers: ClinVar variation 4814630 (VCV004814630.1).

ClinVar aggregate classification (germline): Likely pathogenic (1 of 4 stars; one submission).

Conditions:
Retinitis pigmentosa 25 (RP25). Identifiers: Orphanet 791, MedGen C1864446, MONDO:0011272, OMIM 602772.

gnomAD v4.1: 1 of 1,520,908 alleles (0.000066%); highest among the groups gnomAD compares: African/African-American, 0.0014%; no homozygotes.

Submission:

Natera, Inc.
Classification: Likely pathogenic for Retinitis pigmentosa type 25. Last evaluated: 2025-06-09. Review status: criteria provided, single submitter. Criteria: Natera Variant Classification Schema (03/2026). Collection method: clinical testing. Allele origin: germline.
Comment: The c.3568+1G>T variant in EYS is a canonical splice donor site variant predicted to affect pre-mRNA splicing, which may result in an abnormal transcript and altered protein product. This variant is expected to result in nonsense mediated decay, truncation, or a dysfunctional protein product. This variant is rare in the general population with a frequency below the threshold expected for the associated phenotype(s). Given the available evidence, this variant is classified as Likely Pathogenic.